The following is an entry in ClinVar:

NM_025233.7(COASY):c.193C>A (p.Leu65Ile)

Gene: COASY (Coenzyme A synthase; plus strand). Cytogenetic location: 17q21.2.
Variant type: single nucleotide variant.
Coding change: c.193C>A on transcript NM_025233.7 (MANE Select); coding-DNA position 193, C replaced by A.
Protein change: p.Leu65Ile; replaces leucine 65 with isoleucine.
Molecular consequence: missense variant.
Genome position (GRCh38, 1-based): chr17:42,562,815, C>A. VCF-style: chr17-42562815-C-A. GRCh37 (hg19) VCF-style: chr17-40714833-C-A.
Other names: c.193C>A, p.Leu65Ile (NM_001042529.3); c.280C>A, p.Leu94Ile (NM_001042532.4); short protein forms L65I, L94I.
Identifiers: ClinVar variation 3378017 (VCV003378017.1).

ClinVar aggregate classification (germline): Uncertain significance (1 of 4 stars; one submission).

Submission:

GeneDx
Classification: Uncertain significance. Last evaluated: 2024-05-14. Review status: criteria provided, single submitter. Criteria: GeneDx Variant Classification Process June 2021. Collection method: clinical testing. Allele origin: germline. Affected: yes.
Comment: Not observed at significant frequency in large population cohorts (gnomAD); In silico analysis indicates that this missense variant does not alter protein structure/function; Has not been previously published as pathogenic or benign to our knowledge